The following is an entry in ClinVar:

NM_001194.4(HCN2):c.1889T>C (p.Leu630Pro)

Gene: HCN2 (hyperpolarization activated cyclic nucleotide gated potassium and sodium channel 2; plus strand). Cytogenetic location: 19p13.3.
Variant type: single nucleotide variant.
Coding change: c.1889T>C on transcript NM_001194.4 (MANE Select); coding-DNA position 1889, T replaced by C.
Protein change: p.Leu630Pro; replaces leucine 630 with proline.
Molecular consequence: missense variant.
Genome position (GRCh38, 1-based): chr19:613,915, T>C. VCF-style: chr19-613915-T-C. GRCh37 (hg19) VCF-style: chr19-613915-T-C.
Other names: short protein forms L630P.
Identifiers: ClinVar variation 930280 (VCV000930280.3), dbSNP rs1983782523, ClinGen allele CA402882868.

ClinVar aggregate classification (germline): Uncertain significance (1 of 4 stars; one submission).

Submission:

Centre for Mendelian Genomics, University Medical Centre Ljubljana
Classification: Uncertain significance. Last evaluated: 2018-12-12. Review status: criteria provided, single submitter. Criteria: ACMG Guidelines, 2015. Collection method: clinical testing. Allele origin: unknown. Affected: yes.
Comment: This variant was classified as: Uncertain significance. The available evidence on this variant's pathogenicity is insufficient or conflicting. The following ACMG criteria were applied in classifying this variant: PM2,PP3.